The following is an entry in ClinVar:

ClinVar aggregate classification (germline): Uncertain significance. Review status: criteria provided, multiple submitters, no conflicts (2 of 4 stars). 2 submissions from 2 submitters: Uncertain significance (2). Last evaluated 2025-01-05.

Conditions:
Inborn genetic diseases. Identifiers: MedGen C0950123, MeSH D030342.

Submissions (2):

Ambry Genetics
Classification: Uncertain significance for Inborn genetic diseases. Last evaluated: 2025-01-05. Review status: criteria provided, single submitter. Criteria: Ambry Variant Classification Scheme 2023. Collection method: clinical testing. Allele origin: germline.
Comment: The p.L270M variant (also known as c.808C>A), located in coding exon 9 of the FANCA gene, results from a C to A substitution at nucleotide position 808. The leucine at codon 270 is replaced by methionine, an amino acid with highly similar properties. This amino acid position is conserved. In addition, this alteration is predicted to be tolerated by in silico analysis. Based on the available evidence, the clinical significance of this variant remains unclear.

Quest Diagnostics Nichols Institute San Juan Capistrano
Classification: Uncertain significance. Last evaluated: 2024-12-12. Review status: criteria provided, single submitter. Criteria: Quest Diagnostics criteria. Collection method: clinical testing. Allele origin: unknown.
Comment: The FANCA c.808C>A (p.Leu270Met) variant has not been reported in individuals with FANCA-related conditions in the published literature. It also has not been reported in large, multi-ethnic general populations (Genome Aggregation Database). Analysis of this variant using bioinformatics tools for the prediction of the effect of amino acid changes on protein structure and function yielded conflicting predictions that this variant is benign or damaging. Based on the available information, we are unable to determine the clinical significance of this variant.

NM_000135.4(FANCA):c.808C>A (p.Leu270Met)

Gene: FANCA (FA complementation group A; minus strand). Cytogenetic location: 16q24.3.
Variant type: single nucleotide variant.
Coding change: c.808C>A on transcript NM_000135.4 (MANE Select); coding-DNA position 808, C replaced by A.
Protein change: p.Leu270Met; replaces leucine 270 with methionine.
Molecular consequence: missense variant.
Genome position (GRCh38, 1-based): chr16:89,799,623, G>T on the plus strand (C>A on the coding strand, the complement: FANCA is on the minus strand). VCF-style: chr16-89799623-G-T. GRCh37 (hg19) VCF-style: chr16-89866031-G-T.
Other names: c.808C>A, p.Leu270Met (NM_001018112.3, NM_001286167.3); c.712C>A, p.Leu238Met (NM_001351830.2); c.808C>A (NM_000135.3); short protein forms L270M, L238M.
Identifiers: ClinVar variation 3848082 (VCV003848082.2).